The following is an entry in ClinVar:

NM_015978.3(TNNI3K):c.369T>A (p.Ser123Arg)

Genes: FPGT-TNNI3K (FPGT-TNNI3K readthrough; plus strand), TNNI3K (TNNI3 interacting kinase; plus strand). Cytogenetic location: 1p31.1.
Variant type: single nucleotide variant.
Coding change: c.369T>A on transcript NM_015978.3 (MANE Select); coding-DNA position 369, T replaced by A.
Protein change: p.Ser123Arg; replaces serine 123 with arginine.
Molecular consequence: missense variant.
Genome position (GRCh38, 1-based): chr1:74,271,633, T>A. VCF-style: chr1-74271633-T-A. GRCh37 (hg19) VCF-style: chr1-74737317-T-A.
Other names: c.672T>A, p.Ser224Arg (NM_001112808.3, NM_001199327.2); short protein forms S123R, S224R.
Identifiers: ClinVar variation 3709601 (VCV003709601.2).

ClinVar aggregate classification (germline): Uncertain significance (1 of 4 stars; one submission).

Submission:

Labcorp Genetics (formerly Invitae), Labcorp
Classification: Uncertain significance. Last evaluated: 2024-10-12. Review status: criteria provided, single submitter. Criteria: Invitae Variant Classification Sherloc (09022015). Collection method: clinical testing. Allele origin: germline.
Comment: This sequence change replaces serine, which is neutral and polar, with arginine, which is basic and polar, at codon 123 of the TNNI3K protein (p.Ser123Arg). This variant is not present in population databases (gnomAD no frequency). This variant has not been reported in the literature in individuals affected with TNNI3K-related conditions. Invitae Evidence Modeling of protein sequence and biophysical properties (such as structural, functional, and spatial information, amino acid conservation, physicochemical variation, residue mobility, and thermodynamic stability) indicates that this missense variant is not expected to disrupt TNNI3K protein function with a negative predictive value of 80%. In summary, the available evidence is currently insufficient to determine the role of this variant in disease. Therefore, it has been classified as a Variant of Uncertain Significance.